The following is an entry in ClinVar:

ClinVar aggregate classification (germline): Uncertain significance (1 of 4 stars; one submission).

Conditions:
Inborn genetic diseases. Identifiers: MedGen C0950123, MeSH D030342.

Submission:

Ambry Genetics
Classification: Uncertain significance for Inborn genetic diseases. Last evaluated: 2023-01-29. Review status: criteria provided, single submitter. Criteria: Ambry Variant Classification Scheme 2023. Collection method: clinical testing. Allele origin: germline.
Comment: The p.T358A variant (also known as c.1072A>G), located in coding exon 9 of the LRRK2 gene, results from an A to G substitution at nucleotide position 1072. The threonine at codon 358 is replaced by alanine, an amino acid with similar properties. This amino acid position is conserved. In addition, this alteration is predicted to be tolerated by in silico analysis. Since supporting evidence is limited at this time, the clinical significance of this alteration remains unclear.

NM_198578.4(LRRK2):c.1072A>G (p.Thr358Ala)

Gene: LRRK2 (leucine rich repeat kinase 2; plus strand). Cytogenetic location: 12q12.
Variant type: single nucleotide variant.
Coding change: c.1072A>G on transcript NM_198578.4 (MANE Select); coding-DNA position 1072, A replaced by G.
Protein change: p.Thr358Ala; replaces threonine 358 with alanine.
Molecular consequence: missense variant.
Genome position (GRCh38, 1-based): chr12:40,251,345, A>G. VCF-style: chr12-40251345-A-G. GRCh37 (hg19) VCF-style: chr12-40645147-A-G.
Other names: short protein forms T358A.
Identifiers: ClinVar variation 2453099 (VCV002453099.2), dbSNP rs2499503713, ClinGen allele CA384407950.